The following is an entry in ClinVar:

NM_002693.3(POLG):c.3105-11T>C

Gene: POLG (DNA polymerase gamma, catalytic subunit; minus strand). Cytogenetic location: 15q26.1.
Variant type: single nucleotide variant.
Coding change: c.3105-11T>C on transcript NM_002693.3 (MANE Select); 11 bases into the intron before coding-DNA position 3105, T replaced by C.
Molecular consequence: intron variant.
Genome position (GRCh38, 1-based): chr15:89,319,110, A>G on the plus strand (T>C on the coding strand, the complement: POLG is on the minus strand). VCF-style: chr15-89319110-A-G. GRCh37 (hg19) VCF-style: chr15-89862341-A-G.
Other names: p.?; c.3105-11T>C (NM_001126131.2).
Identifiers: ClinVar variation 138754 (VCV000138754.26), dbSNP rs2302084, ClinGen allele CA295631.
Genomic context (GRCh38, chr15:89,319,110, plus strand): 5'-CCCCCTTCCATGCCCGTTCAGCAACCACCTCCCACTTCTTCCACTGTGACCTAAGGGACC[A>G]GAAACAGAGGGCAGACTTTGTCTTTCAGCATCTCAAAGCTAAAAAACAAAGCATCCAAGC-3'

ClinVar aggregate classification (germline): Benign/Likely benign. Review status: criteria provided, multiple submitters, no conflicts (2 of 4 stars). 17 submissions from 13 submitters: Benign (13); Likely benign (2). 2 of the submissions do not count toward it. Last evaluated 2026-02-04.

Conditions:
Progressive external ophthalmoplegia with mitochondrial DNA deletions, autosomal dominant 1 (PEOA1). Also called: Autosomal Dominant Progressive External Ophthalmoplegia (adPEO); PROGRESSIVE EXTERNAL OPHTHALMOPLEGIA, AUTOSOMAL DOMINANT 1. Identifiers: MedGen C1834846, MONDO:0024528, OMIM 157640.
Progressive sclerosing poliodystrophy (MTDPS4A). Also called: Alpers Syndrome; Mitochondrial DNA depletion syndrome 4A (Alpers type); Alpers-Huttenlocher Syndrome (AHS); ALPERS PROGRESSIVE INFANTILE POLIODYSTROPHY; Mitochondrial DNA Depletion Syndrome 4A; NEURONAL DEGENERATION OF CHILDHOOD WITH LIVER DISEASE, PROGRESSIVE. Identifiers: Orphanet 726, MedGen C0205710, MONDO:0008758, OMIM 203700.
Mitochondrial DNA depletion syndrome 4b. Also called: Mitochondrial Neurogastrointestinal Encephalopathy Disease, POLG-Related; MNGIE, POLG-RELATED. Identifiers: Orphanet 298, MedGen C3150914, MONDO:0013350, OMIM 613662.
Progressive external ophthalmoplegia with mitochondrial DNA deletions, autosomal recessive 1 (PEOB1). Also called: Progressive external ophthalmoplegia, autosomal recessive 1; Autosomal Recessive Progressive External Ophthalmoplegia (arPEO). Identifiers: Orphanet 254886, MedGen C4225153, MONDO:0009783, OMIM 258450.
Sensory ataxic neuropathy, dysarthria, and ophthalmoparesis (SANDO). Also called: Ataxia Neuropathy Spectrum (ANS); Sensory ataxic neuropathy-dysarthria-ophthalmoparesis syndrome; SENSORY ATAXIC NEUROPATHY WITH MITOCHONDRIAL DNA DELETIONS, AUTOSOMAL RECESSIVE; Epilepsy, progressive myoclonic, type 5. Identifiers: Orphanet 70595, MedGen C1843851, MONDO:0011835, OMIM 607459.

Allele frequency attached by ClinVar (database versions not stated): 1000 Genomes Project 30x 0.29591; 1000 Genomes Project 0.29812; TOPMed 0.31633; gnomAD 0.32855 and 0.33151; ExAC 0.37471; gnomAD exomes 0.37650 and 0.38535.
gnomAD v4.1: 613,245 of 1,613,784 alleles (38%); highest among the groups gnomAD compares: South Asian, 40%; 119,307 homozygotes.

Submissions (20):

Labcorp Genetics (formerly Invitae), Labcorp
Classification: Benign for Progressive sclerosing poliodystrophy. Last evaluated: 2026-02-04. Review status: criteria provided, single submitter. Criteria: Invitae Variant Classification Sherloc (09022015). Collection method: clinical testing. Allele origin: germline.

Women's Health and Genetics/Laboratory Corporation of America, LabCorp
Classification: Benign. Last evaluated: 2025-07-28. Review status: criteria provided, single submitter. Criteria: LabCorp Variant Classification Summary - May 2015. Collection method: clinical testing. Allele origin: germline.

Blueprint Genetics
Classification: Likely benign. Last evaluated: 2024-11-27. Review status: criteria provided, single submitter. Criteria: ACMG Guidelines, 2015. Collection method: clinical testing. Allele origin: germline.

Unidad de Genómica Garrahan, Hospital de Pediatría Garrahan
Classification: Benign. Last evaluated: 2024-07-15. Review status: criteria provided, single submitter. Criteria: ACMG Guidelines, 2015. Collection method: clinical testing. Allele origin: germline. Affected: no. Observed: 48 variant alleles.
Comment: This variant is classified as Benign based on local population frequency. This variant was detected in 52% of patients studied in a panel designed for Epileptic and Developmental Encephalopathy and Progressive Myoclonus Epilepsy. Number of patients: 48. Only high quality variants are reported.

Mayo Clinic Laboratories, Mayo Clinic
Classification: Benign. Last evaluated: 2022-05-05. Review status: criteria provided, single submitter. Criteria: ACMG Guidelines, 2015. Collection method: clinical testing. Allele origin: germline. Observed: 326 variant alleles.

Genome-Nilou Lab
Classification: Benign for Progressive sclerosing poliodystrophy. Last evaluated: 2021-10-25. Review status: criteria provided, single submitter. Criteria: ACMG Guidelines, 2015. Collection method: clinical testing. Allele origin: germline. Affected: no.

Genome-Nilou Lab
Classification: Benign for Mitochondrial DNA depletion syndrome 4b. Last evaluated: 2021-10-25. Review status: criteria provided, single submitter. Criteria: ACMG Guidelines, 2015. Collection method: clinical testing. Allele origin: germline. Affected: no.

Genome-Nilou Lab
Classification: Benign for Sensory ataxic neuropathy, dysarthria, and ophthalmoparesis. Last evaluated: 2021-10-25. Review status: criteria provided, single submitter. Criteria: ACMG Guidelines, 2015. Collection method: clinical testing. Allele origin: germline. Affected: no.

Genome-Nilou Lab
Classification: Benign for Progressive external ophthalmoplegia with mitochondrial DNA deletions, autosomal dominant 1. Last evaluated: 2021-10-25. Review status: criteria provided, single submitter. Criteria: ACMG Guidelines, 2015. Collection method: clinical testing. Allele origin: germline. Affected: no.

Genome-Nilou Lab
Classification: Benign for Progressive external ophthalmoplegia with mitochondrial DNA deletions, autosomal recessive 1. Last evaluated: 2021-10-25. Review status: criteria provided, single submitter. Criteria: ACMG Guidelines, 2015. Collection method: clinical testing. Allele origin: germline. Affected: no.

Wong Mito Lab, Molecular and Human Genetics, Baylor College of Medicine
Classification: Benign for Progressive sclerosing poliodystrophy. Last evaluated: 2018-10-01. Review status: criteria provided, single submitter. Criteria: ACMG Guidelines, 2015. Collection method: clinical testing. Allele origin: germline.
Comment: The NM_002693.2:c.3105-11T>C (NP_002684.1:p.=) [GRCH38: NC_000015.10:g.89319110A>G] variant in POLG gene is interpretated to be a Benign based on ACMG guidelines (PMID: 25741868). This variant meets the following evidence codes reported in the ACMG-guideline. BA1:Minor allele frequency is too high for the Mitochondrial DNA depletion syndrome 4A (Alpers type). BS1:The minor allele frequency of this allele is high for Mitochondrial DNA depletion syndrome 4A (Alpers type). BS2:Observation of the variant in controls is inconsistent with penetrance of Mitochondrial DNA depletion syndrome 4A (Alpers type). Based on the evidence criteria codes applied, the variant is suggested to be Benign.

Eurofins Ntd Llc (ga)
Classification: Benign. Last evaluated: 2014-03-17. Review status: criteria provided, single submitter. Criteria: EGL Classification Definitions 2015. Collection method: clinical testing. Allele origin: germline. Observed: 1 variant allele, 1 heterozygote.

GeneDx
Classification: Benign. Last evaluated: 2011-07-01. Review status: criteria provided, single submitter. Criteria: GeneDx Variant Classification (06012015). Collection method: clinical testing. Allele origin: germline. Affected: yes.
Comment: This variant is considered likely benign or benign based on one or more of the following criteria: it is a conservative change, it occurs at a poorly conserved position in the protein, it is predicted to be benign by multiple in silico algorithms, and/or has population frequency not consistent with disease.

Breakthrough Genomics
Classification: Likely benign. Review status: criteria provided, single submitter. Criteria: ACMG Guidelines, 2015. Collection method: not provided. Allele origin: germline. Inheritance: Autosomal recessive inheritance. Affected: yes.

PreventionGenetics, part of Exact Sciences
Classification: Benign. Review status: criteria provided, single submitter. Criteria: ACMG Guidelines, 2015. Collection method: clinical testing. Allele origin: germline.

Clinical Genetics DNA and cytogenetics Diagnostics Lab, Erasmus MC, Erasmus Medical Center
Classification: Benign. Review status: no assertion criteria provided. Collection method: clinical testing. Allele origin: germline. Affected: yes. Study: VKGL Data-share Consensus. Not counted in ClinVar's aggregate classification.

Dr. Peter K. Rogan Lab, Western University
No classification provided (evidence only). Condition: Hepatocellular carcinoma. Review status: no classification provided. Collection method: in vitro. Allele origin: not applicable. Functional consequence: retained intron. Not counted in ClinVar's aggregate classification.

Dr. Peter K. Rogan Lab, Western University
No classification provided (evidence only). Condition: Hepatocellular carcinoma. Review status: no classification provided. Collection method: in vitro. Allele origin: not applicable. Functional consequence: skipped exon. Not counted in ClinVar's aggregate classification.

Dr. Peter K. Rogan Lab, Western University
No classification provided (evidence only). Condition: Germ cell tumor of testis. Review status: no classification provided. Collection method: in vitro. Allele origin: not applicable. Functional consequence: retained intron. Not counted in ClinVar's aggregate classification.

Genome Diagnostics Laboratory, Amsterdam University Medical Center
Classification: Benign. Review status: no assertion criteria provided. Collection method: clinical testing. Allele origin: germline. Affected: yes. Study: VKGL Data-share Consensus. Not counted in ClinVar's aggregate classification.